The following is an entry in ClinVar:

ClinVar aggregate classification (germline): Uncertain significance (1 of 4 stars; one submission).

Conditions:
ZFHX4-related disorder. Also called: ZFHX4-related condition.

gnomAD v4.1: 1 of 1,613,936 alleles (0.000062%); highest among the groups gnomAD compares: South Asian, 0.0011%; no homozygotes.

Submission:

PreventionGenetics, part of Exact Sciences
Classification: Uncertain significance for ZFHX4-related condition. Last evaluated: 2025-09-12. Review status: criteria provided, single submitter. Criteria: ACMG Guidelines, 2015. Collection method: clinical testing. Allele origin: germline.
Comment: The ZFHX4 c.9652A>G variant is predicted to result in the amino acid substitution p.Lys3218Glu. To our knowledge, this variant has not been reported in the literature. This variant is reported in 0.0065% of alleles in individuals of South Asian descent in gnomAD. At this time, the clinical significance of this variant is uncertain due to the absence of conclusive functional and genetic evidence.

NM_024721.5(ZFHX4):c.9652A>G (p.Lys3218Glu)

Gene: ZFHX4 (zinc finger homeobox 4; plus strand). Cytogenetic location: 8q21.13.
Variant type: single nucleotide variant.
Coding change: c.9652A>G on transcript NM_024721.5 (MANE Select); coding-DNA position 9652, A replaced by G.
Protein change: p.Lys3218Glu; replaces lysine 3218 with glutamic acid.
Molecular consequence: missense variant.
Genome position (GRCh38, 1-based): chr8:76,863,366, A>G. VCF-style: chr8-76863366-A-G. GRCh37 (hg19) VCF-style: chr8-77775602-A-G.
Other names: c.9574A>G, p.Lys3192Glu (NM_001410934.1); short protein forms K3192E, K3218E.
Identifiers: ClinVar variation 5000381 (VCV005000381.1).